The following is an entry in ClinVar:

ClinVar aggregate classification (germline): Uncertain significance (1 of 4 stars; one submission).

Conditions:
Spastic paraplegia. Identifiers: MedGen C0037772, HP:0001258.

Allele frequency attached by ClinVar (database versions not stated): gnomAD 0.00005; TOPMed 0.00008; ExAC 0.00002; gnomAD exomes 0.00004.
gnomAD v4.1: 48 of 1,613,110 alleles (0.003%); highest among the groups gnomAD compares: Middle Eastern, 0.016%; no homozygotes.

Submission:

Labcorp Genetics (formerly Invitae), Labcorp
Classification: Uncertain significance for Spastic paraplegia. Last evaluated: 2021-09-01. Review status: criteria provided, single submitter. Criteria: Invitae Variant Classification Sherloc (09022015). Collection method: clinical testing. Allele origin: germline.
Comment: This sequence change replaces arginine with histidine at codon 251 of the GBA2 protein (p.Arg251His). The arginine residue is highly conserved and there is a small physicochemical difference between arginine and histidine. This variant is present in population databases (rs769204863, ExAC 0.01%). This variant has not been reported in the literature in individuals affected with GBA2-related conditions. Algorithms developed to predict the effect of missense changes on protein structure and function are either unavailable or do not agree on the potential impact of this missense change (SIFT: "Deleterious"; PolyPhen-2: "Possibly Damaging"; Align-GVGD: "Class C0"). In summary, the available evidence is currently insufficient to determine the role of this variant in disease. Therefore, it has been classified as a Variant of Uncertain Significance.

NM_020944.3(GBA2):c.752G>A (p.Arg251His)

Gene: GBA2 (glucosylceramidase beta 2; minus strand). Cytogenetic location: 9p13.3.
Variant type: single nucleotide variant.
Coding change: c.752G>A on transcript NM_020944.3 (MANE Select); coding-DNA position 752, G replaced by A.
Protein change: p.Arg251His; replaces arginine 251 with histidine.
Molecular consequence: missense variant.
Genome position (GRCh38, 1-based): chr9:35,741,706, C>T on the plus strand (G>A on the coding strand, the complement: GBA2 is on the minus strand). VCF-style: chr9-35741706-C-T. GRCh37 (hg19) VCF-style: chr9-35741703-C-T.
Other names: c.752G>A, p.Arg251His (NM_001330660.2); short protein forms R251H.
Identifiers: ClinVar variation 1038506 (VCV001038506.6), dbSNP rs769204863, ClinGen allele CA5050631.